The following is an entry in ClinVar:

ClinVar aggregate classification (germline): Uncertain significance (1 of 4 stars; one submission).

Allele frequency attached by ClinVar (database versions not stated): gnomAD exomes below 0.00001 and 0.00001; ExAC 0.00001; gnomAD 0.00001; 1000 Genomes Project 30x 0.00016; 1000 Genomes Project 0.00020.
gnomAD v4.1: 10 of 1,612,778 alleles (0.00062%); highest among the groups gnomAD compares: East Asian, 0.0022%; no homozygotes.

Submission:

GeneDx
Classification: Uncertain significance. Last evaluated: 2017-10-17. Review status: criteria provided, single submitter. Criteria: GeneDx Variant Classification (06012015). Collection method: clinical testing. Allele origin: germline. Affected: yes.
Comment: The E1624K variant in the WDR81 gene has not been reported previously as a pathogenic variant, nor as a benign variant, to our knowledge. The E1624K variant is not observed at a significant frequency in large population cohorts (Lek et al., 2016). The E1624K variant is a non-conservative amino acid substitution, which is likely to impact secondary protein structure as these residues differ in polarity, charge, size and/or other properties. This substitution occurs at a position that is conserved across species. In silico analysis predicts this variant is probably damaging to the protein structure/function. We interpret E1624K as a variant of uncertain significance.

NM_001163809.2(WDR81):c.4870G>A (p.Glu1624Lys)

Gene: WDR81 (WD repeat domain 81; plus strand). Cytogenetic location: 17p13.3.
Variant type: single nucleotide variant.
Coding change: c.4870G>A on transcript NM_001163809.2 (MANE Select); coding-DNA position 4870, G replaced by A.
Protein change: p.Glu1624Lys; replaces glutamic acid 1624 with lysine.
Molecular consequence: missense variant.
Genome position (GRCh38, 1-based): chr17:1,733,907, G>A. VCF-style: chr17-1733907-G-A. GRCh37 (hg19) VCF-style: chr17-1637201-G-A.
Other names: c.1261G>A, p.Glu421Lys (NM_001163673.2); c.1189G>A, p.Glu397Lys (NM_001163811.2); c.1717G>A, p.Glu573Lys (NM_152348.4); short protein forms E1624K, E421K, E573K, E397K.
Identifiers: ClinVar variation 452863 (VCV000452863.2), dbSNP rs547282188, ClinGen allele CA8273696.